The following is an entry in ClinVar:

ClinVar aggregate classification (germline): Uncertain significance (1 of 4 stars; one submission).

Conditions:
Bloom syndrome (BLM). Also called: Bloom-Torre-Machacek syndrome. Identifiers: Orphanet 125, MedGen C0005859, MONDO:0008876, OMIM 210900.

Submission:

Labcorp Genetics (formerly Invitae), Labcorp
Classification: Uncertain significance for Bloom syndrome. Last evaluated: 2021-09-01. Review status: criteria provided, single submitter. Criteria: Invitae Variant Classification Sherloc (09022015). Collection method: clinical testing. Allele origin: germline.
Comment: This sequence change falls in intron 8 of the BLM gene. It does not directly change the encoded amino acid sequence of the BLM protein. It affects a nucleotide within the consensus splice site of the intron. This variant is not present in population databases (ExAC no frequency). This variant has not been reported in the literature in individuals affected with BLM-related conditions. Variants that disrupt the consensus splice site are a relatively common cause of aberrant splicing (PMID: 17576681, 9536098). Algorithms developed to predict the effect of sequence changes on RNA splicing suggest that this variant is not likely to affect RNA splicing. In summary, the available evidence is currently insufficient to determine the role of this variant in disease. Therefore, it has been classified as a Variant of Uncertain Significance.

Literature cited by the submitters: PubMed 17576681; PubMed 9536098.

NM_000057.4(BLM):c.2075-3C>T

Gene: BLM (BLM RecQ like helicase; plus strand). Cytogenetic location: 15q26.1.
Variant type: single nucleotide variant.
Coding change: c.2075-3C>T on transcript NM_000057.4 (MANE Select); 3 bases into the intron before coding-DNA position 2075, C replaced by T.
Molecular consequence: intron variant.
Genome position (GRCh38, 1-based): chr15:90,765,293, C>T. VCF-style: chr15-90765293-C-T. GRCh37 (hg19) VCF-style: chr15-91308523-C-T.
Other names: c.2075-3C>T (NM_001287246.2, NM_001287247.2); c.950-3C>T (NM_001287248.2).
Identifiers: ClinVar variation 1016024 (VCV001016024.7), dbSNP rs1896091271, ClinGen allele CA2195281296.